The following is an entry in ClinVar:

NM_006073.4(TRDN):c.749A>G (p.Lys250Arg)

Gene: TRDN (triadin; minus strand). Cytogenetic location: 6q22.31.
Variant type: single nucleotide variant.
Coding change: c.749A>G on transcript NM_006073.4 (MANE Select); coding-DNA position 749, A replaced by G.
Protein change: p.Lys250Arg; replaces lysine 250 with arginine.
Molecular consequence: missense variant.
Genome position (GRCh38, 1-based): chr6:123,503,763, T>C on the plus strand (A>G on the coding strand, the complement: TRDN is on the minus strand). VCF-style: chr6-123503763-T-C. GRCh37 (hg19) VCF-style: chr6-123824908-T-C.
Other names: c.749A>G, p.Lys250Arg (NM_001251987.2, NM_001256020.2, NM_001256021.2 and 1 more transcripts); short protein forms K250R.
Identifiers: ClinVar variation 1759181 (VCV001759181.3), dbSNP rs2534299539, ClinGen allele CA365567629.
Genomic context (GRCh38, chr6:123,503,763, plus strand): 5'-TGCTCTGAATGTTTACCTTTCTGTTCATGCTTTGACACAGCTGCTTTCTCTTTGTCCTCC[T>C]TTTCTTTGGGTTTTGATGGTGTTTTCTGTACTTCTTTTACTTTTGCAGCTGTTTGCTTCA-3'
Protein context (NP_006064.2, residues 240-260): VQKTPSKPKE[Lys250Arg]EDKEKAAVSK

ClinVar aggregate classification (germline): Uncertain significance (1 of 4 stars; one submission).

Conditions:
Cardiovascular phenotype. Identifiers: MedGen CN230736.

Allele frequency attached by ClinVar (database versions not stated): gnomAD exomes below 0.00001.
gnomAD v4.1: 1 of 1,613,780 alleles (0.000062%); highest among the groups gnomAD compares: African/African-American, 0.0013%; no homozygotes.

Submission:

Ambry Genetics
Classification: Uncertain significance for Cardiovascular phenotype. Last evaluated: 2025-05-03. Review status: criteria provided, single submitter. Criteria: Ambry Variant Classification Scheme 2023. Collection method: clinical testing. Allele origin: germline.
Comment: The p.K250R variant (also known as c.749A>G), located in coding exon 8 of the TRDN gene, results from an A to G substitution at nucleotide position 749. The lysine at codon 250 is replaced by arginine, an amino acid with highly similar properties. This amino acid position is well conserved in available vertebrate species; however, arginine is the reference amino acid in other vertebrate species. In addition, this alteration is predicted to be tolerated by in silico analysis. Since supporting evidence is limited at this time, the clinical significance of this alteration remains unclear.